The following is an entry in ClinVar:

NM_001080517.3(SETD5):c.2757A>C (p.Lys919Asn)

Gene: SETD5 (SET domain containing 5; plus strand). Cytogenetic location: 3p25.3.
Variant type: single nucleotide variant.
Coding change: c.2757A>C on transcript NM_001080517.3 (MANE Select); coding-DNA position 2757, A replaced by C.
Protein change: p.Lys919Asn; replaces lysine 919 with asparagine.
Molecular consequence: missense variant.
Genome position (GRCh38, 1-based): chr3:9,470,491, A>C. VCF-style: chr3-9470491-A-C. GRCh37 (hg19) VCF-style: chr3-9512175-A-C.
Other names: c.2463A>C, p.Lys821Asn (NM_001292043.2, NM_001349451.2); short protein forms K821N, K919N.
Identifiers: ClinVar variation 2444629 (VCV002444629.1), dbSNP rs2473802463, ClinGen allele CA351680032.
Genomic context (GRCh38, chr3:9,470,491, plus strand): 5'-ATGTCTCCGTTGATTTTTATTCTTTCAGCTTTGTCACCGAAAAGACCTGGATTTGGCAAA[A>C]GTAGGATACCTTGACTCCAACACTAACAGCTGTGCTGATAGACCTTCCCTACTCAACTCA-3'
Protein context (NP_001073986.1, residues 909-929): LCHRKDLDLA[Lys919Asn]VGYLDSNTNS

ClinVar aggregate classification (germline): Uncertain significance (1 of 4 stars; one submission).

Allele frequency attached by ClinVar (database versions not stated): gnomAD exomes below 0.00001.
gnomAD v4.1: 1 of 1,612,802 alleles (0.000062%); highest among the groups gnomAD compares: Non-Finnish European, 0.000085%; no homozygotes.

Submission:

GeneDx
Classification: Uncertain significance. Last evaluated: 2022-09-16. Review status: criteria provided, single submitter. Criteria: GeneDx Variant Classification Process June 2021. Collection method: clinical testing. Allele origin: germline. Affected: yes.
Comment: Not observed at significant frequency in large population cohorts (gnomAD); In silico analysis supports that this missense variant does not alter protein structure/function; Has not been previously published as pathogenic or benign to our knowledge